The following is an entry in ClinVar:

NM_002485.5(NBN):c.1849G>T (p.Glu617Ter)

Genes: NBN (nibrin; minus strand), LOC126860438 (MED14-independent group 3 enhancer GRCh37_chr8:90959982-90961181; plus strand). Cytogenetic location: 8q21.3.
Variant type: single nucleotide variant.
Coding change: c.1849G>T on transcript NM_002485.5 (MANE Select); coding-DNA position 1849, G replaced by T.
Protein change: p.Glu617Ter; replaces glutamic acid 617 with a stop codon.
Molecular consequence: nonsense.
Genome position (GRCh38, 1-based): chr8:89,947,889, C>A on the plus strand (G>T on the coding strand, the complement: NBN is on the minus strand). VCF-style: chr8-89947889-C-A. GRCh37 (hg19) VCF-style: chr8-90960117-C-A.
Other names: c.1603G>T, p.Glu535Ter (NM_001024688.3); short protein forms E617*, E535*.
Identifiers: ClinVar variation 964295 (VCV000964295.10), dbSNP rs766602873, ClinGen allele CA371677319.
Genomic context (GRCh38, chr8:89,947,889, plus strand): 5'-TTTCTTTAGCTGACCATAGTGAGTCTTCCTTGAGTTCACGTTTCTTCCCAATTTCATTTT[C>A]TTGCTAAAGAAATAAAATAAAAAATACTGTTCATAGGAGTAATAAAATGGTATGTTTCTA-3'

ClinVar aggregate classification (germline): Pathogenic/Likely pathogenic. Review status: criteria provided, multiple submitters, no conflicts (2 of 4 stars). 3 submissions from 3 submitters: Pathogenic (2); Likely pathogenic (1). Last evaluated 2024-05-08.

Conditions:
Microcephaly, normal intelligence and immunodeficiency (NBS). Also called: SEEMANOVA SYNDROME II; Ataxia telangiectasia variant V1; BERLIN BREAKAGE SYNDROME; Immunodeficiency, microcephaly with normal intelligence; IMMUNODEFICIENCY, MICROCEPHALY, AND CHROMOSOMAL INSTABILITY; Nijmegen breakage syndrome. Identifiers: Orphanet 647, MedGen C0398791, MONDO:0009623, OMIM 251260.

Submissions (3):

Myriad Genetics, Inc.
Classification: Pathogenic for Microcephaly, normal intelligence and immunodeficiency. Last evaluated: 2024-05-08. Review status: criteria provided, single submitter. Criteria: Myriad Autosomal Dominant, Autosomal Recessive and X-Linked Classification Criteria (2023). Collection method: clinical testing. Allele origin: unknown.
Comment: NM_002485.4(NBN):c.1849G>T(E617*) is expected to be pathogenic in the context of Nijmegen breakage syndrome. This variant is predicted to lead to an abnormal or absent protein product due to the creation of a premature termination codon in NBN, a gene where loss-of-function variants are known to be pathogenic. Please note: this variant was assessed in the context of healthy population screening.

Labcorp Genetics (formerly Invitae), Labcorp
Classification: Pathogenic for Microcephaly, normal intelligence and immunodeficiency. Last evaluated: 2024-04-22. Review status: criteria provided, single submitter. Criteria: Invitae Variant Classification Sherloc (09022015). Collection method: clinical testing. Allele origin: germline.
Comment: This sequence change creates a premature translational stop signal (p.Glu617*) in the NBN gene. It is expected to result in an absent or disrupted protein product. Loss-of-function variants in NBN are known to be pathogenic (PMID: 9590180, 16415040). This variant is not present in population databases (gnomAD no frequency). This variant has not been reported in the literature in individuals affected with NBN-related conditions. ClinVar contains an entry for this variant (Variation ID: 964295). Algorithms developed to predict the effect of sequence changes on RNA splicing suggest that this variant may disrupt the consensus splice site. For these reasons, this variant has been classified as Pathogenic.

Quest Diagnostics Nichols Institute San Juan Capistrano
Classification: Likely pathogenic. Last evaluated: 2022-09-08. Review status: criteria provided, single submitter. Criteria: Quest Diagnostics criteria. Collection method: clinical testing. Allele origin: unknown.
Comment: This nonsense variant is predicted to cause the premature termination of NBN protein synthesis. The variant has not been reported in individuals with NBN-related conditions in the published literature. It also has not been reported in large, multi-ethnic general populations. Based on the available information, this variant is classified as likely pathogenic.

Literature cited by the submitters: PubMed 9590180 (cited by Labcorp Genetics (formerly Invitae), Labcorp); PubMed 16415040 (cited by Labcorp Genetics (formerly Invitae), Labcorp).